The following is an entry in ClinVar:

NM_025099.6(CTC1):c.2743C>T (p.Leu915Phe)

Gene: CTC1 (CST telomere replication complex component 1; minus strand). Cytogenetic location: 17p13.1.
Variant type: single nucleotide variant.
Coding change: c.2743C>T on transcript NM_025099.6 (MANE Select); coding-DNA position 2743, C replaced by T.
Protein change: p.Leu915Phe; replaces leucine 915 with phenylalanine.
Molecular consequence: missense variant. On other transcripts: non-coding transcript variant (1).
Genome position (GRCh38, 1-based): chr17:8,230,578, G>A on the plus strand (C>T on the coding strand, the complement: CTC1 is on the minus strand). VCF-style: chr17-8230578-G-A. GRCh37 (hg19) VCF-style: chr17-8133896-G-A.
Other names: short protein forms L915F.
Identifiers: ClinVar variation 1505479 (VCV001505479.5), dbSNP rs778391511, ClinGen allele CA8371987.

ClinVar aggregate classification (germline): Uncertain significance (1 of 4 stars; one submission).

Conditions:
Dyskeratosis congenita. Identifiers: Orphanet 1775, MedGen C0265965, MONDO:0015780.

Allele frequency attached by ClinVar (database versions not stated): gnomAD exomes below 0.00001; ExAC 0.00001; TOPMed 0.00001.
gnomAD v4.1: 3 of 1,614,116 alleles (0.00019%); highest among the groups gnomAD compares: Admixed American, 0.0017%; no homozygotes.

Submission:

Labcorp Genetics (formerly Invitae), Labcorp
Classification: Uncertain significance for Dyskeratosis congenita. Last evaluated: 2021-09-01. Review status: criteria provided, single submitter. Criteria: Invitae Variant Classification Sherloc (09022015). Collection method: clinical testing. Allele origin: germline.
Comment: This sequence change replaces leucine with phenylalanine at codon 915 of the CTC1 protein (p.Leu915Phe). The leucine residue is moderately conserved and there is a small physicochemical difference between leucine and phenylalanine. This variant is present in population databases (rs778391511, ExAC 0.009%). This variant has not been reported in the literature in individuals affected with CTC1-related conditions. Algorithms developed to predict the effect of missense changes on protein structure and function output the following: SIFT: "Tolerated"; PolyPhen-2: "Benign"; Align-GVGD: "Class C0". The phenylalanine amino acid residue is found in multiple mammalian species, which suggests that this missense change does not adversely affect protein function. In summary, the available evidence is currently insufficient to determine the role of this variant in disease. Therefore, it has been classified as a Variant of Uncertain Significance.